The following is an entry in ClinVar:

NM_020693.4(DSCAML1):c.5752G>A (p.Glu1918Lys)

Gene: DSCAML1 (DS cell adhesion molecule like 1; minus strand). Cytogenetic location: 11q23.3.
Variant type: single nucleotide variant.
Coding change: c.5752G>A on transcript NM_020693.4 (MANE Select); coding-DNA position 5752, G replaced by A.
Protein change: p.Glu1918Lys; replaces glutamic acid 1918 with lysine.
Molecular consequence: missense variant.
Genome position (GRCh38, 1-based): chr11:117,428,738, C>T on the plus strand (G>A on the coding strand, the complement: DSCAML1 is on the minus strand). VCF-style: chr11-117428738-C-T. GRCh37 (hg19) VCF-style: chr11-117299454-C-T.
Other names: short protein forms E1918K.
Identifiers: ClinVar variation 1973083 (VCV001973083.5), dbSNP rs1299749950, ClinGen allele CA382751469.

ClinVar aggregate classification (germline): Uncertain significance (1 of 4 stars; one submission).

Submission:

Labcorp Genetics (formerly Invitae), Labcorp
Classification: Uncertain significance. Last evaluated: 2022-07-12. Review status: criteria provided, single submitter. Criteria: Invitae Variant Classification Sherloc (09022015). Collection method: clinical testing. Allele origin: germline.
Comment: In summary, the available evidence is currently insufficient to determine the role of this variant in disease. Therefore, it has been classified as a Variant of Uncertain Significance. Algorithms developed to predict the effect of missense changes on protein structure and function (SIFT, PolyPhen-2, Align-GVGD) all suggest that this variant is likely to be tolerated. This sequence change replaces glutamic acid, which is acidic and polar, with lysine, which is basic and polar, at codon 1978 of the DSCAML1 protein (p.Glu1978Lys). This variant is not present in population databases (gnomAD no frequency). This variant has not been reported in the literature in individuals affected with DSCAML1-related conditions.